The following is an entry in ClinVar:

NR_003051.4(RMRP):n.250C>T

Gene: RMRP (RNA component of mitochondrial RNA processing endoribonuclease; minus strand). Cytogenetic location: 9p13.3.
Variant type: single nucleotide variant.
Genome position: GRCh38 VCF-style: chr9-35657770-G-A. GRCh37 (hg19) VCF-style: chr9-35657767-G-A.
Identifiers: ClinVar variation 552824 (VCV000552824.3), dbSNP rs1554651104, ClinGen allele CA464450230.

ClinVar aggregate classification (germline): Uncertain significance. Review status: criteria provided, single submitter (1 of 4 stars). 2 submissions from 2 submitters: Uncertain significance (1). 1 of the submissions does not count toward it. Last evaluated 2025-06-23.

Conditions:
Metaphyseal chondrodysplasia, McKusick type (CHH). Also called: Cartilage-Hair Hypoplasia (CHH); Cartilage-hair hypoplasia. Identifiers: Orphanet 175, MedGen C0220748, MONDO:0009595, OMIM 250250.

Allele frequency attached by ClinVar (database versions not stated): gnomAD exomes below 0.00001.
gnomAD v4.1: 1 of 695,500 alleles (0.00014%); highest among the groups gnomAD compares: Non-Finnish European, 0.00026%; no homozygotes.

Submissions (2):

Women's Health and Genetics/Laboratory Corporation of America, LabCorp
Classification: Uncertain significance. Last evaluated: 2025-06-23. Review status: criteria provided, single submitter. Criteria: LabCorp Variant Classification Summary - May 2015. Collection method: clinical testing. Allele origin: germline.
Comment: Variant summary: RMRP n.249C>T (also known as NC_000009.11: chr9:g.35657767G>A) alters a nucleotide in the non-coding RNA. The variant was absent in 128060 control chromosomes. The available data on variant occurrences in the general population are insufficient to allow any conclusion about variant significance. n.249C>T has been observed in the compound heterozygous state in at least one individual affected with Cartilage-Hair Hypoplasia (Bonaf_2005). These report(s) do not provide unequivocal conclusions about association of the variant with Cartilage-Hair Hypoplasia. To our knowledge, no experimental evidence demonstrating an impact on protein function has been reported. This variant is also known as n.248CT and n.250C>T. The following publication have been ascertained in the context of this evaluation (PMID: 16244706). ClinVar contains an entry for this variant (Variation ID: 552824). Based on the evidence outlined above, the variant was classified as uncertain significance.

Counsyl
Classification: Uncertain significance for Metaphyseal chondrodysplasia, McKusick type. Last evaluated: 2017-07-20. Review status: no assertion criteria provided. Collection method: clinical testing. Allele origin: unknown. Not counted in ClinVar's aggregate classification.

Literature cited by the submitters: PubMed 16244706 (cited by Women's Health and Genetics/Laboratory Corporation of America, LabCorp and Counsyl); PubMed 17701897 (cited by Counsyl).